The following is an entry in ClinVar:

ClinVar aggregate classification (germline): Likely benign. Review status: criteria provided, single submitter (1 of 4 stars). 2 submissions from 2 submitters: Likely benign (1). 1 of the submissions does not count toward it. Last evaluated 2025-09-08.

Conditions:
VPS13B-related disorder. Also called: VPS13B-related condition.
Cohen syndrome (COH1). Also called: Cutis verticis gyrata, retinitis pigmentosa, and sensorineural deafness; PEPPER SYNDROME. Identifiers: Orphanet 193, MedGen C0265223, MONDO:0008999, OMIM 216550.

Allele frequency attached by ClinVar (database versions not stated): gnomAD exomes 0.00001; TOPMed 0.00001; ESP Exome Variant Server 0.00008.
gnomAD v4.1: 6 of 1,613,814 alleles (0.00037%); highest among the groups gnomAD compares: African/African-American, 0.008%; no homozygotes.

Submissions (2):

Labcorp Genetics (formerly Invitae), Labcorp
Classification: Likely benign for Cohen syndrome. Last evaluated: 2025-09-08. Review status: criteria provided, single submitter. Criteria: Invitae Variant Classification Sherloc (09022015). Collection method: clinical testing. Allele origin: germline.

PreventionGenetics, part of Exact Sciences
Classification: Likely benign for VPS13B-related condition. Last evaluated: 2022-02-08. Review status: no assertion criteria provided. Collection method: clinical testing. Allele origin: germline. Not counted in ClinVar's aggregate classification.
Comment: This variant is classified as likely benign based on ACMG/AMP sequence variant interpretation guidelines (Richards et al. 2015 PMID: 25741868, with internal and published modifications).

NM_152564.5(VPS13B):c.4995G>A (p.Leu1665=)

Gene: VPS13B (vacuolar protein sorting 13 homolog B; plus strand). Cytogenetic location: 8q22.2.
Variant type: single nucleotide variant.
Coding change: c.4995G>A on transcript NM_152564.5 (MANE Select); coding-DNA position 4995, G replaced by A.
Protein change: p.Leu1665=; no amino-acid change (leucine 1665 retained).
Molecular consequence: synonymous variant.
Genome position (GRCh38, 1-based): chr8:99,575,703, G>A. VCF-style: chr8-99575703-G-A. GRCh37 (hg19) VCF-style: chr8-100587931-G-A.
Other names: c.5070G>A, p.Leu1690= (NM_017890.5).
Identifiers: ClinVar variation 2164961 (VCV002164961.5), dbSNP rs139586722, ClinGen allele CA182998643.